The following is an entry in ClinVar:

NM_000018.4(ACADVL):c.[1097G>A;869del]

Variant type: Haplotype.
Identifiers: ClinVar variation 867229 (VCV000867229.2).

ClinVar aggregate classification (germline): Likely pathogenic (0 of 4 stars; one submission).

Conditions:
Very long chain acyl-CoA dehydrogenase deficiency (ACADVLD). Also called: Very Long-Chain Acyl-Coenzyme A Dehydrogenase Deficiency; VLCAD Deficiency. Identifiers: Orphanet 26793, MedGen C3887523, MONDO:0008723, OMIM 201475.

Submission:

Neuromuscular Department, Shariati Hospital, Tehran University of Medical Sciences
Classification: Likely pathogenic for Very long chain acyl-CoA dehydrogenase deficiency. Last evaluated: 2019-12-01. Review status: no assertion criteria provided. Collection method: research. Allele origin: germline. Affected: yes.
Comment: The CK was 46000 IU/L during admission; echocardiography was normal, and electromyography was myopathic in proximal and distal muscles of upper and lower extremities with prominent spontaneous activity.